The following is an entry in ClinVar:

NM_004706.4(ARHGEF1):c.1370T>A (p.Leu457Gln)

Gene: ARHGEF1 (Rho guanine nucleotide exchange factor 1; plus strand). Cytogenetic location: 19q13.2.
Variant type: single nucleotide variant.
Coding change: c.1370T>A on transcript NM_004706.4 (MANE Select); coding-DNA position 1370, T replaced by A.
Protein change: p.Leu457Gln; replaces leucine 457 with glutamine.
Molecular consequence: missense variant. On other transcripts: non-coding transcript variant (2).
Genome position (GRCh38, 1-based): chr19:41,901,989, T>A. VCF-style: chr19-41901989-T-A. GRCh37 (hg19) VCF-style: chr19-42406139-T-A.
Other names: c.1538T>A, p.Leu513Gln (NM_001396000.1); c.1271T>A, p.Leu424Gln (NM_001396002.1, NM_001396004.1, NM_198977.2); c.1370T>A, p.Leu457Gln (NM_001396003.1, NM_001396006.1); c.1415T>A, p.Leu472Gln (NM_199002.2); short protein forms L424Q, L457Q, L472Q, L513Q.
Identifiers: ClinVar variation 1718258 (VCV001718258.5), dbSNP rs2513881156, ClinGen allele CA406060411.

ClinVar aggregate classification (germline): Uncertain significance (1 of 4 stars; one submission).

Submission:

Labcorp Genetics (formerly Invitae), Labcorp
Classification: Uncertain significance. Last evaluated: 2022-08-28. Review status: criteria provided, single submitter. Criteria: Invitae Variant Classification Sherloc (09022015). Collection method: clinical testing. Allele origin: germline.
Comment: In summary, the available evidence is currently insufficient to determine the role of this variant in disease. Therefore, it has been classified as a Variant of Uncertain Significance. Algorithms developed to predict the effect of missense changes on protein structure and function (SIFT, PolyPhen-2, Align-GVGD) all suggest that this variant is likely to be disruptive. This variant has not been reported in the literature in individuals affected with ARHGEF1-related conditions. This variant is not present in population databases (gnomAD no frequency). This sequence change replaces leucine, which is neutral and non-polar, with glutamine, which is neutral and polar, at codon 472 of the ARHGEF1 protein (p.Leu472Gln).